The following is an entry in ClinVar:

NM_001099922.3(ALG13):c.766G>T (p.Val256Phe)

Gene: ALG13 (ALG13 UDP-N-acetylglucosaminyltransferase subunit; plus strand). Cytogenetic location: Xq23.
Variant type: single nucleotide variant.
Coding change: c.766G>T on transcript NM_001099922.3 (MANE Select); coding-DNA position 766, G replaced by T.
Protein change: p.Val256Phe; replaces valine 256 with phenylalanine.
Molecular consequence: missense variant. On other transcripts: non-coding transcript variant (1).
Genome position (GRCh38, 1-based): chrX:111,708,980, G>T. VCF-style: chrX-111708980-G-T. GRCh37 (hg19) VCF-style: chrX-110952208-G-T.
Other names: c.454G>T, p.Val152Phe (NM_001257230.2, NM_001257234.2, NM_001257237.2 and 1 more transcripts); c.532G>T, p.Val178Phe (NM_001257231.2); c.766G>T, p.Val256Phe (NM_001324292.2); short protein forms V152F, V256F, V178F.
Identifiers: ClinVar variation 2753290 (VCV002753290.3), dbSNP rs886282320, ClinGen allele CA334443201.

ClinVar aggregate classification (germline): Uncertain significance (1 of 4 stars; one submission).

Conditions:
Developmental and epileptic encephalopathy, 36 (DEE36). Also called: ALG13-CDG; Epileptic encephalopathy, early infantile, 36; Congenital disorder of glycosylation, type Is. Identifiers: Orphanet 324422, MedGen C4317295, MONDO:0010472, OMIM 300884.

Submission:

Labcorp Genetics (formerly Invitae), Labcorp
Classification: Uncertain significance for Developmental and epileptic encephalopathy, 36. Last evaluated: 2023-08-17. Review status: criteria provided, single submitter. Criteria: Invitae Variant Classification Sherloc (09022015). Collection method: clinical testing. Allele origin: germline.
Comment: This variant has not been reported in the literature in individuals affected with ALG13-related conditions. This variant is not present in population databases (gnomAD no frequency). This sequence change replaces valine, which is neutral and non-polar, with phenylalanine, which is neutral and non-polar, at codon 256 of the ALG13 protein (p.Val256Phe). Advanced modeling of protein sequence and biophysical properties (such as structural, functional, and spatial information, amino acid conservation, physicochemical variation, residue mobility, and thermodynamic stability) performed at Invitae indicates that this missense variant is not expected to disrupt ALG13 protein function. In summary, the available evidence is currently insufficient to determine the role of this variant in disease. Therefore, it has been classified as a Variant of Uncertain Significance.